The following is an entry in ClinVar:

ClinVar aggregate classification (germline): Uncertain significance. Review status: criteria provided, multiple submitters, no conflicts (2 of 4 stars). 2 submissions from 2 submitters: Uncertain significance (2). Last evaluated 2025-06-28.

Conditions:
Gastrointestinal stromal tumor. Also called: Gastrointestinal stromal tumor, somatic; Gastrointestinal stroma tumor. Identifiers: Orphanet 44890, MedGen C0238198, MeSH D046152, MONDO:0011719, OMIM 606764, HP:0100723.
Hereditary cancer-predisposing syndrome. Also called: Neoplastic Syndromes, Hereditary; Tumor predisposition; Hereditary Cancer Syndrome; Hereditary neoplastic syndrome. Identifiers: Orphanet 140162, MedGen C0027672, MeSH D009386, MONDO:0015356.

Submissions (2):

Ambry Genetics
Classification: Uncertain significance for Hereditary cancer-predisposing syndrome. Last evaluated: 2025-06-28. Review status: criteria provided, single submitter. Criteria: Ambry Variant Classification Scheme 2023. Collection method: clinical testing. Allele origin: germline.
Comment: The p.T460A variant (also known as c.1378A>G), located in coding exon 9 of the PDGFRA gene, results from an A to G substitution at nucleotide position 1378. The threonine at codon 460 is replaced by alanine, an amino acid with similar properties. This amino acid position is conserved. In addition, the in silico prediction for this alteration is inconclusive. Since supporting evidence is limited at this time, the clinical significance of this alteration remains unclear.

Labcorp Genetics (formerly Invitae), Labcorp
Classification: Uncertain significance for Gastrointestinal stromal tumor. Last evaluated: 2024-06-25. Review status: criteria provided, single submitter. Criteria: Invitae Variant Classification Sherloc (09022015). Collection method: clinical testing. Allele origin: germline.
Comment: This sequence change replaces threonine, which is neutral and polar, with alanine, which is neutral and non-polar, at codon 460 of the PDGFRA protein (p.Thr460Ala). This variant is not present in population databases (gnomAD no frequency). This variant has not been reported in the literature in individuals affected with PDGFRA-related conditions. ClinVar contains an entry for this variant (Variation ID: 856109). Advanced modeling of protein sequence and biophysical properties (such as structural, functional, and spatial information, amino acid conservation, physicochemical variation, residue mobility, and thermodynamic stability) performed at Invitae indicates that this missense variant is not expected to disrupt PDGFRA protein function with a negative predictive value of 80%. In summary, the available evidence is currently insufficient to determine the role of this variant in disease. Therefore, it has been classified as a Variant of Uncertain Significance.

NM_006206.6(PDGFRA):c.1378A>G (p.Thr460Ala)

Gene: PDGFRA (platelet derived growth factor receptor alpha; plus strand). Cytogenetic location: 4q12.
Variant type: single nucleotide variant.
Coding change: c.1378A>G on transcript NM_006206.6 (MANE Select); coding-DNA position 1378, A replaced by G.
Protein change: p.Thr460Ala; replaces threonine 460 with alanine.
Molecular consequence: missense variant.
Genome position (GRCh38, 1-based): chr4:54,273,550, A>G. VCF-style: chr4-54273550-A-G. GRCh37 (hg19) VCF-style: chr4-55139717-A-G.
Other names: c.1378A>G, p.Thr460Ala (NM_001347827.2, NM_001347829.2); c.1453A>G, p.Thr485Ala (NM_001347828.2); c.1417A>G, p.Thr473Ala (NM_001347830.2); short protein forms T460A, T485A, T473A.
Identifiers: ClinVar variation 856109 (VCV000856109.13), dbSNP rs1723523743, ClinGen allele CA356892444.
Genomic context (GRCh38, chr4:54,273,550, plus strand): 5'-ATGACTCTCAGGAATTGGCCCTATACTTAGGCCCTTTTTCTCTCTAGATGTAATAATGAA[A>G]CTTCCTGGACTATTTTGGCCAACAATGTCTCAAACATCATCACGGAGATCCACTCCCGAG-3'
Protein context (NP_006197.1, residues 450-470): CKDIKKCNNE[Thr460Ala]SWTILANNVS